The following is an entry in ClinVar:

ClinVar aggregate classification (germline): Likely benign. Review status: criteria provided, multiple submitters, no conflicts (2 of 4 stars). 2 submissions from 2 submitters: Likely benign (2). Last evaluated 2018-06-14.

Allele frequency attached by ClinVar (database versions not stated): gnomAD exomes 0.00468; ExAC 0.00578; 1000 Genomes Project 0.00799; 1000 Genomes Project 30x 0.00953; gnomAD 0.01043 and 0.01108; TOPMed 0.01205; ESP Exome Variant Server 0.01284.
gnomAD v4.1: 5,895 of 1,465,280 alleles (0.4%); highest among the groups gnomAD compares: African/African-American, 3%; 57 homozygotes.

Submissions (2):

GeneDx
Classification: Likely benign. Last evaluated: 2018-06-14. Review status: criteria provided, single submitter. Criteria: GeneDx Variant Classification (06012015). Collection method: clinical testing. Allele origin: germline. Affected: yes.
Comment: This variant is considered likely benign or benign based on one or more of the following criteria: it is a conservative change, it occurs at a poorly conserved position in the protein, it is predicted to be benign by multiple in silico algorithms, and/or has population frequency not consistent with disease.

Breakthrough Genomics
Classification: Likely benign. Review status: criteria provided, single submitter. Criteria: ACMG Guidelines, 2015. Collection method: not provided. Allele origin: germline. Inheritance: Autosomal dominant inheritance. Affected: yes.

NM_000093.5(COL5A1):c.4447-44C>T

Genes: COL5A1 (collagen type V alpha 1 chain; plus strand), LOC101448202 (uncharacterized LOC101448202; minus strand). Cytogenetic location: 9q34.3.
Variant type: single nucleotide variant.
Coding change: c.4447-44C>T on transcript NM_000093.5 (MANE Select); 44 bases into the intron before coding-DNA position 4447, C replaced by T.
Molecular consequence: intron variant. On other transcripts: non-coding transcript variant (1).
Genome position (GRCh38, 1-based): chr9:134,820,072, C>T. VCF-style: chr9-134820072-C-T. GRCh37 (hg19) VCF-style: chr9-137711918-C-T.
Other names: c.4447-44C>T (NM_001278074.1).
Identifiers: ClinVar variation 675281 (VCV000675281.2), dbSNP rs112700360, ClinGen allele CA5320299.